The following is an entry in ClinVar:

NM_004380.3(CREBBP):c.5570A>C (p.His1857Pro)

Gene: CREBBP (CREB binding protein; minus strand). Cytogenetic location: 16p13.3.
Variant type: single nucleotide variant.
Coding change: c.5570A>C on transcript NM_004380.3 (MANE Select); coding-DNA position 5570, A replaced by C.
Protein change: p.His1857Pro; replaces histidine 1857 with proline.
Molecular consequence: missense variant.
Genome position (GRCh38, 1-based): chr16:3,729,477, T>G on the plus strand (A>C on the coding strand, the complement: CREBBP is on the minus strand). VCF-style: chr16-3729477-T-G. GRCh37 (hg19) VCF-style: chr16-3779478-T-G.
Other names: c.5456A>C, p.His1819Pro (NM_001079846.1); short protein forms H1857P, H1819P.
Identifiers: ClinVar variation 422204 (VCV000422204.2), dbSNP rs1064795628, ClinGen allele CA16620198.

ClinVar aggregate classification (germline): Likely pathogenic (1 of 4 stars; one submission).

Submission:

GeneDx
Classification: Likely pathogenic. Last evaluated: 2016-09-19. Review status: criteria provided, single submitter. Criteria: GeneDx Variant Classification (06012015). Collection method: clinical testing. Allele origin: germline. Affected: yes.
Comment: The H1857P variant in the CREBBP gene has not been reported previously as a pathogenic variantnor as a benign variant, to our knowledge. The H1857P variant was not observed in approximately6500 individuals of European and African American ancestry in the NHLBI Exome SequencingProject, indicating it is not a common benign variant in these populations. The H1857P variant is anon-conservative amino acid substitution, which is likely to impact secondary protein structure asthese residues differ in polarity, charge, size and/or other properties. This substitution occurs at aposition that is conserved across species. In silico analysis predicts this variant is probably damaging tothe protein structure/function. We interpret H1857P as a likely pathogenic variant